The following is an entry in ClinVar:

ClinVar aggregate classification (germline): Uncertain significance (1 of 4 stars; one submission).

Conditions:
Fanconi anemia complementation group J. Also called: BRIP1-Related Fanconi Anemia. Identifiers: Orphanet 84, MedGen C1836860, MONDO:0012187, OMIM 609054.
Familial cancer of breast. Also called: Hereditary breast cancer; BREAST CANCER, FAMILIAL; hereditary breast carcinoma. Identifiers: Orphanet 227535, MedGen C0346153, MONDO:0016419, OMIM 114480. Disease mechanism: loss of function.

Submission:

Labcorp Genetics (formerly Invitae), Labcorp
Classification: Uncertain significance for Familial cancer of breast; Fanconi anemia complementation group J. Last evaluated: 2021-02-24. Review status: criteria provided, single submitter. Criteria: Invitae Variant Classification Sherloc (09022015). Collection method: clinical testing. Allele origin: germline.
Comment: In summary, the available evidence is currently insufficient to determine the role of this variant in disease. Therefore, it has been classified as a Variant of Uncertain Significance. Algorithms developed to predict the effect of missense changes on protein structure and function (SIFT, PolyPhen-2, Align-GVGD) all suggest that this variant is likely to be disruptive, but these predictions have not been confirmed by published functional studies and their clinical significance is uncertain. This variant has not been reported in the literature in individuals with BRIP1-related conditions. This variant is not present in population databases (ExAC no frequency). This sequence change replaces arginine with methionine at codon 823 of the BRIP1 protein (p.Arg823Met). The arginine residue is highly conserved and there is a moderate physicochemical difference between arginine and methionine.

NM_032043.3(BRIP1):c.2468G>T (p.Arg823Met)

Gene: BRIP1 (BRCA1 interacting DNA helicase 1; minus strand). Cytogenetic location: 17q23.2.
Variant type: single nucleotide variant.
Coding change: c.2468G>T on transcript NM_032043.3 (MANE Select); coding-DNA position 2468, G replaced by T.
Protein change: p.Arg823Met; replaces arginine 823 with methionine.
Molecular consequence: missense variant.
Genome position (GRCh38, 1-based): chr17:61,715,975, C>A on the plus strand (G>T on the coding strand, the complement: BRIP1 is on the minus strand). VCF-style: chr17-61715975-C-A. GRCh37 (hg19) VCF-style: chr17-59793336-C-A.
Other names: short protein forms R823M.
Identifiers: ClinVar variation 1375500 (VCV001375500.9), dbSNP rs45479297, ClinGen allele CA292261339.